The following is an entry in ClinVar:

NM_001004356.3(FGFRL1):c.1503C>G (p.His501Gln)

Gene: FGFRL1 (fibroblast growth factor receptor like 1; plus strand). Cytogenetic location: 4p16.3.
Variant type: single nucleotide variant.
Coding change: c.1503C>G on transcript NM_001004356.3 (MANE Select); coding-DNA position 1503, C replaced by G.
Protein change: p.His501Gln; replaces histidine 501 with glutamine.
Molecular consequence: missense variant.
Genome position (GRCh38, 1-based): chr4:1,025,335, C>G. VCF-style: chr4-1025335-C-G. GRCh37 (hg19) VCF-style: chr4-1019123-C-G.
Other names: c.1503C>G, p.His501Gln (NM_001004358.1, NM_001370296.1, NM_021923.3); c.1503C>G (NM_001004356.2); short protein forms H501Q.
Identifiers: ClinVar variation 2089562 (VCV002089562.5), dbSNP rs2534156665, ClinGen allele CA355936516.

ClinVar aggregate classification (germline): Uncertain significance. Review status: criteria provided, multiple submitters, no conflicts (2 of 4 stars). 2 submissions from 2 submitters: Uncertain significance (2). Last evaluated 2025-09-24.

Submissions (2):

Ambry Genetics
Classification: Uncertain significance. Last evaluated: 2025-09-24. Review status: criteria provided, single submitter. Criteria: Ambry Variant Classification Scheme 2023. Collection method: clinical testing. Allele origin: germline.

Labcorp Genetics (formerly Invitae), Labcorp
Classification: Uncertain significance. Last evaluated: 2024-06-17. Review status: criteria provided, single submitter. Criteria: Invitae Variant Classification Sherloc (09022015). Collection method: clinical testing. Allele origin: germline.
Comment: This sequence change replaces histidine, which is basic and polar, with glutamine, which is neutral and polar, at codon 501 of the FGFRL1 protein (p.His501Gln). This variant is not present in population databases (gnomAD no frequency). This variant has not been reported in the literature in individuals affected with FGFRL1-related conditions. ClinVar contains an entry for this variant (Variation ID: 2089562). An algorithm developed to predict the effect of missense changes on protein structure and function (PolyPhen-2) suggests that this variant is likely to be tolerated. In summary, the available evidence is currently insufficient to determine the role of this variant in disease. Therefore, it has been classified as a Variant of Uncertain Significance.